The following is an entry in ClinVar:

NM_017433.5(MYO3A):c.181G>T (p.Glu61Ter)

Gene: MYO3A (myosin IIIA; plus strand). Cytogenetic location: 10p12.1.
Variant type: single nucleotide variant.
Coding change: c.181G>T on transcript NM_017433.5 (MANE Select); coding-DNA position 181, G replaced by T.
Protein change: p.Glu61Ter; replaces glutamic acid 61 with a stop codon.
Molecular consequence: nonsense.
Genome position (GRCh38, 1-based): chr10:25,954,886, G>T. VCF-style: chr10-25954886-G-T. GRCh37 (hg19) VCF-style: chr10-26243815-G-T.
Other names: c.181G>T, p.Glu61Ter (NM_001368265.1); short protein forms E61*.
Identifiers: ClinVar variation 4989528 (VCV004989528.1).

ClinVar aggregate classification (germline): Uncertain significance (1 of 4 stars; one submission).

Conditions:
MYO3A-related disorder. Also called: MYO3A-related condition.

Submission:

PreventionGenetics, part of Exact Sciences
Classification: Uncertain significance for MYO3A-related condition. Last evaluated: 2026-03-19. Review status: criteria provided, single submitter. Criteria: ACMG Guidelines, 2015. Collection method: clinical testing. Allele origin: germline.
Comment: The MYO3A c.181G>T variant is predicted to result in premature protein termination (p.Glu61*). To our knowledge, this variant has not been reported in the literature. This variant is reported in 0.0029% of alleles in individuals of Latino descent in gnomAD. While many MYO3A truncating variants downstream of this position have been reported, none have been convincingly reported as pathogenic upstream of this position. Although we suspect that this variant may be pathogenic, at this time, the clinical significance of this variant is uncertain due to the absence of conclusive functional and genetic evidence.